The following is an entry in ClinVar:

NM_005481.3(MED16):c.1573C>T (p.Arg525Trp)

Gene: MED16 (mediator complex subunit 16; minus strand). Cytogenetic location: 19p13.3.
Variant type: single nucleotide variant.
Coding change: c.1573C>T on transcript NM_005481.3 (MANE Select); coding-DNA position 1573, C replaced by T.
Protein change: p.Arg525Trp; replaces arginine 525 with tryptophan.
Molecular consequence: missense variant.
Genome position (GRCh38, 1-based): chr19:875,442, G>A on the plus strand (C>T on the coding strand, the complement: MED16 is on the minus strand). VCF-style: chr19-875442-G-A. GRCh37 (hg19) VCF-style: chr19-875442-G-A.
Other names: short protein forms R525W.
Identifiers: ClinVar variation 3124971 (VCV003124971.4), dbSNP rs376368245, ClinGen allele CA9027326.

ClinVar aggregate classification (germline): Conflicting classifications of pathogenicity. Review status: criteria provided, conflicting classifications (1 of 4 stars). 3 submissions from 3 submitters: Likely pathogenic (1); Uncertain significance (2). Last evaluated 2026-03-24.

Conditions:
Guillouet-Gordon syndrome. Identifiers: MedGen C6012729, MONDO:0979227, OMIM 621220.

Allele frequency attached by ClinVar (database versions not stated): ESP Exome Variant Server 0.00008; ExAC 0.00013; gnomAD 0.00021.
gnomAD v4.1: 405 of 1,601,658 alleles (0.025%); highest among the groups gnomAD compares: Non-Finnish European, 0.033%; no homozygotes.

Submissions (3):

Genomics, Genetics and Epigenetics Laboratory, Medical College of Wisconsin
Classification: Likely pathogenic for Guillouet-Gordon syndrome. Last evaluated: 2026-03-24. Review status: criteria provided, single submitter. Criteria: ACMG Guidelines, 2015. Collection method: research. Allele origin: biparental. Affected: yes.
Comment: NM_005481.3:c.1573C>T generates a missense variant p.(Arg525Trp). The variant has high in silico scores (AlphaMissense, CADD) and is rare in gnomAD v4.1 (405/1601658 alleles with 0 homozygotes).

GeneDx
Classification: Uncertain significance. Last evaluated: 2026-02-28. Review status: criteria provided, single submitter. Criteria: GeneDx Variant Classification Process June 2021. Collection method: clinical testing. Allele origin: germline.
Comment: In silico analysis supports that this missense variant has a deleterious effect on protein structure/function; Has not been previously published as pathogenic or benign to our knowledge

Ambry Genetics
Classification: Uncertain significance. Last evaluated: 2025-11-08. Review status: criteria provided, single submitter. Criteria: Ambry Variant Classification Scheme 2023. Collection method: clinical testing. Allele origin: germline.